The following is an entry in ClinVar:

ClinVar aggregate classification (germline): Uncertain significance (1 of 4 stars; one submission).

Conditions:
Recessive dystrophic epidermolysis bullosa (RDEB). Also called: epidermolysis bullosa dystrophica, autosomal recessive; Recessive DEB (RDEB); DYSTROPHIC EPIDERMOLYSIS BULLOSA, AUTOSOMAL RECESSIVE; EPIDERMOLYSIS BULLOSA DYSTROPHICA, HALLOPEAU-SIEMENS TYPE; severe generalized recessive dystrophic epidermolysis bullosa; Hallopeau-Siemens Disease. Identifiers: Orphanet 79408, Orphanet 79409, MedGen C0079474, MONDO:0009179, OMIM 226600.

gnomAD v4.1: 1 of 1,613,994 alleles (0.000062%); highest among the groups gnomAD compares: Non-Finnish European, 0.000085%; no homozygotes.

Submission:

Neuberg Centre For Genomic Medicine, NCGM
Classification: Uncertain significance for Recessive dystrophic epidermolysis bullosa. Review status: criteria provided, single submitter. Criteria: ACMG Guidelines, 2015. Collection method: clinical testing. Allele origin: germline. Inheritance: Autosomal recessive inheritance. Affected: yes.
Comment: The missense variant p.G2386D in COL7A1 (NM_000094.4) has not been reported previously as a pathogenic variant nor as a benign variant, to our knowledge. The p.G2386D variant is novel (not in any individuals) in gnomAD Exomes and is novel (not in any individuals) in 1000 Genomes. The p.G2386D missense variant is predicted to be damaging by both SIFT and PolyPhen2. The glycine residue at codon 2386 of COL7A1 is conserved in all mammalian species. The nucleotide c.7157 in COL7A1 is predicted conserved by GERP++ and PhyloP across 100 vertebrates. For these reasons, this variant has been classified as Uncertain Significance.

NM_000094.4(COL7A1):c.7157G>A (p.Gly2386Asp)

Gene: COL7A1 (collagen type VII alpha 1 chain; minus strand). Cytogenetic location: 3p21.31.
Variant type: single nucleotide variant.
Coding change: c.7157G>A on transcript NM_000094.4 (MANE Select); coding-DNA position 7157, G replaced by A.
Protein change: p.Gly2386Asp; replaces glycine 2386 with aspartic acid.
Molecular consequence: missense variant.
Genome position (GRCh38, 1-based): chr3:48,571,108, C>T on the plus strand (G>A on the coding strand, the complement: COL7A1 is on the minus strand). VCF-style: chr3-48571108-C-T. GRCh37 (hg19) VCF-style: chr3-48608541-C-T.
Other names: short protein forms G2386D.
Identifiers: ClinVar variation 2627546 (VCV002627546.1), dbSNP rs2043889654, ClinGen allele CA352650900.